The following is an entry in ClinVar:

ClinVar aggregate classification (germline): Uncertain significance. Review status: criteria provided, multiple submitters, no conflicts (2 of 4 stars). 2 submissions from 2 submitters: Uncertain significance (2). Last evaluated 2024-09-17.

Conditions:
Hereditary cancer-predisposing syndrome. Also called: Neoplastic Syndromes, Hereditary; Tumor predisposition; Hereditary neoplastic syndrome; Hereditary Cancer Syndrome. Identifiers: Orphanet 140162, MedGen C0027672, MeSH D009386, MONDO:0015356.
Familial cancer of breast. Also called: BREAST CANCER, FAMILIAL; hereditary breast carcinoma; Hereditary breast cancer. Identifiers: Orphanet 227535, MedGen C0346153, MONDO:0016419, OMIM 114480. Disease mechanism: loss of function.

Submissions (2):

Color Diagnostics, LLC DBA Color Health
Classification: Uncertain significance for Hereditary cancer-predisposing syndrome. Last evaluated: 2024-09-17. Review status: criteria provided, single submitter. Criteria: ACMG Guidelines, 2015. Collection method: clinical testing. Allele origin: germline.
Comment: This missense variant replaces histidine with aspartic acid at codon 685 of the BARD1 protein. Computational prediction suggests that this variant may not impact protein structure and function (internally defined REVEL score threshold <= 0.5, PMID: 27666373). To our knowledge, functional studies have not been reported for this variant. This variant has not been reported in individuals affected with BARD1-related disorders in the literature. This variant has not been identified in the general population by the Genome Aggregation Database (gnomAD). The available evidence is insufficient to determine the role of this variant in disease conclusively. Therefore, this variant is classified as a Variant of Uncertain Significance.

Labcorp Genetics (formerly Invitae), Labcorp
Classification: Uncertain significance for Familial cancer of breast. Last evaluated: 2018-08-02. Review status: criteria provided, single submitter. Criteria: Invitae Variant Classification Sherloc (09022015). Collection method: clinical testing. Allele origin: germline.
Comment: In summary, the available evidence is currently insufficient to determine the role of this variant in disease. Therefore, it has been classified as a Variant of Uncertain Significance. Algorithms developed to predict the effect of missense changes on protein structure and function (SIFT, PolyPhen-2, Align-GVGD) all suggest that this variant is likely to be tolerated, but these predictions have not been confirmed by published functional studies and their clinical significance is uncertain. This variant has not been reported in the literature in individuals with BARD1-related disease. This variant is not present in population databases (ExAC no frequency). This sequence change replaces histidine with aspartic acid at codon 685 of the BARD1 protein (p.His685Asp). The histidine residue is moderately conserved and there is a moderate physicochemical difference between histidine and aspartic acid.

NM_000465.4(BARD1):c.2053C>G (p.His685Asp)

Gene: BARD1 (BRCA1 associated RING domain 1; minus strand). Cytogenetic location: 2q35.
Variant type: single nucleotide variant.
Coding change: c.2053C>G on transcript NM_000465.4 (MANE Select); coding-DNA position 2053, C replaced by G.
Protein change: p.His685Asp; replaces histidine 685 with aspartic acid.
Molecular consequence: missense variant. On other transcripts: non-coding transcript variant (3).
Genome position (GRCh38, 1-based): chr2:214,728,957, G>C on the plus strand (C>G on the coding strand, the complement: BARD1 is on the minus strand). VCF-style: chr2-214728957-G-C. GRCh37 (hg19) VCF-style: chr2-215593681-G-C.
Other names: c.1996C>G, p.His666Asp (NM_001282543.2); c.700C>G, p.His234Asp (NM_001282545.2); c.643C>G, p.His215Asp (NM_001282548.2); c.514C>G, p.His172Asp (NM_001282549.2); short protein forms H215D, H685D, H666D, H172D, H234D.
Identifiers: ClinVar variation 661940 (VCV000661940.10), dbSNP rs1574703727, ClinGen allele CA350450716.